The following is an entry in ClinVar:

ClinVar aggregate classification (germline): Uncertain significance (1 of 4 stars; one submission).

Conditions:
Lethal multiple pterygium syndrome (LMPS). Identifiers: Orphanet 33108, MedGen C1854678, MONDO:0009668, OMIM 253290.

Allele frequency attached by ClinVar (database versions not stated): ExAC 0.00001; gnomAD 0.00001; gnomAD exomes 0.00001 and 0.00002; TOPMed 0.00001.
gnomAD v4.1: 19 of 1,614,046 alleles (0.0012%); highest among the groups gnomAD compares: Admixed American, 0.0017%; no homozygotes.

Submission:

Labcorp Genetics (formerly Invitae), Labcorp
Classification: Uncertain significance for Lethal multiple pterygium syndrome. Last evaluated: 2023-08-25. Review status: criteria provided, single submitter. Criteria: Invitae Variant Classification Sherloc (09022015). Collection method: clinical testing. Allele origin: germline.
Comment: This sequence change replaces valine, which is neutral and non-polar, with isoleucine, which is neutral and non-polar, at codon 152 of the CHRNA1 protein (p.Val152Ile). This variant is present in population databases (rs137852807, gnomAD 0.003%). This variant has not been reported in the literature in individuals affected with CHRNA1-related conditions. ClinVar contains an entry for this variant (Variation ID: 1020199). Advanced modeling of protein sequence and biophysical properties (such as structural, functional, and spatial information, amino acid conservation, physicochemical variation, residue mobility, and thermodynamic stability) performed at Invitae indicates that this missense variant is not expected to disrupt CHRNA1 protein function. In summary, the available evidence is currently insufficient to determine the role of this variant in disease. Therefore, it has been classified as a Variant of Uncertain Significance.

NM_000079.4(CHRNA1):c.454G>A (p.Val152Ile)

Gene: CHRNA1 (cholinergic receptor nicotinic alpha 1 subunit; minus strand). Cytogenetic location: 2q31.1.
Variant type: single nucleotide variant.
Coding change: c.454G>A on transcript NM_000079.4 (MANE Select); coding-DNA position 454, G replaced by A.
Protein change: p.Val152Ile; replaces valine 152 with isoleucine.
Molecular consequence: missense variant.
Genome position (GRCh38, 1-based): chr2:174,754,305, C>T on the plus strand (G>A on the coding strand, the complement: CHRNA1 is on the minus strand). VCF-style: chr2-174754305-C-T. GRCh37 (hg19) VCF-style: chr2-175619033-C-T.
Other names: c.529G>A, p.Val177Ile (NM_001039523.3); short protein forms V152I, V177I.
Identifiers: ClinVar variation 1020199 (VCV001020199.6), dbSNP rs137852807, ClinGen allele CA1974546.